The following is an entry in ClinVar:

ClinVar aggregate classification (germline): Uncertain significance. Review status: criteria provided, multiple submitters, no conflicts (2 of 4 stars). 2 submissions from 2 submitters: Uncertain significance (2). Last evaluated 2024-12-22.

Conditions:
Hereditary cancer-predisposing syndrome. Also called: Tumor predisposition; Hereditary neoplastic syndrome; Neoplastic Syndromes, Hereditary; Hereditary Cancer Syndrome. Identifiers: Orphanet 140162, MedGen C0027672, MeSH D009386, MONDO:0015356.
EGFR-related lung cancer (EGFR). Identifiers: MedGen CN130014.

Submissions (2):

Ambry Genetics
Classification: Uncertain significance for Hereditary cancer-predisposing syndrome. Last evaluated: 2024-12-22. Review status: criteria provided, single submitter. Criteria: Ambry Variant Classification Scheme 2023. Collection method: clinical testing. Allele origin: germline.
Comment: The p.H618Q variant (also known as c.1854C>A), located in coding exon 15 of the EGFR gene, results from a C to A substitution at nucleotide position 1854. The histidine at codon 618 is replaced by glutamine, an amino acid with highly similar properties. This amino acid position is conserved. In addition, this alteration is predicted to be tolerated by in silico analysis. Based on the available evidence, the clinical significance of this variant remains unclear.

Labcorp Genetics (formerly Invitae), Labcorp
Classification: Uncertain significance for EGFR-related lung cancer. Last evaluated: 2021-10-24. Review status: criteria provided, single submitter. Criteria: Invitae Variant Classification Sherloc (09022015). Collection method: clinical testing. Allele origin: germline.
Comment: In summary, the available evidence is currently insufficient to determine the role of this variant in disease. Therefore, it has been classified as a Variant of Uncertain Significance. Algorithms developed to predict the effect of missense changes on protein structure and function output the following: SIFT: "Tolerated"; PolyPhen-2: "Benign"; Align-GVGD: "Class C0". The glutamine amino acid residue is found in multiple mammalian species, which suggests that this missense change does not adversely affect protein function. This variant has not been reported in the literature in individuals affected with EGFR-related conditions. This variant is not present in population databases (ExAC no frequency). This sequence change replaces histidine with glutamine at codon 618 of the EGFR protein (p.His618Gln). The histidine residue is weakly conserved and there is a small physicochemical difference between histidine and glutamine.

NM_005228.5(EGFR):c.1854C>A (p.His618Gln)

Gene: EGFR (epidermal growth factor receptor; plus strand). Cytogenetic location: 7p11.2.
Variant type: single nucleotide variant.
Coding change: c.1854C>A on transcript NM_005228.5 (MANE Select); coding-DNA position 1854, C replaced by A.
Protein change: p.His618Gln; replaces histidine 618 with glutamine.
Molecular consequence: missense variant.
Genome position (GRCh38, 1-based): chr7:55,165,411, C>A. VCF-style: chr7-55165411-C-A. GRCh37 (hg19) VCF-style: chr7-55233104-C-A.
Other names: c.1854C>A (NM_005228.3); c.1719C>A, p.His573Gln (NM_001346897.2, NM_001346899.2); c.1854C>A, p.His618Gln (NM_001346898.2, NM_201282.2, NM_201284.2); c.1695C>A, p.His565Gln (NM_001346900.2); c.1053C>A, p.His351Gln (NM_001346941.2); short protein forms H618Q, H351Q, H565Q, H573Q.
Identifiers: ClinVar variation 1493394 (VCV001493394.7), dbSNP rs2128946470, ClinGen allele CA367581078.